The following is an entry in ClinVar:

ClinVar aggregate classification (germline): Pathogenic/Likely pathogenic. Review status: criteria provided, multiple submitters, no conflicts (2 of 4 stars). 6 submissions from 6 submitters: Pathogenic (2); Likely pathogenic (1). 3 of the submissions do not count toward it. Last evaluated 2025-12-08.

Conditions:
Hyperphenylalaninemia due to DNAJC12 deficiency. Also called: Hyperphenylalaninemia, mild, non-bh4-deficient. Identifiers: Orphanet 508523, MedGen C4479270, MONDO:0044304, OMIM 617384.

Allele frequency attached by ClinVar (database versions not stated): TOPMed 0.00001; ExAC 0.00002; 1000 Genomes Project 30x 0.00016; 1000 Genomes Project 0.00020.
gnomAD v4.1: 16 of 1,614,146 alleles (0.00099%); highest among the groups gnomAD compares: Middle Eastern, 0.017%; no homozygotes.

Submissions (6):

Labcorp Genetics (formerly Invitae), Labcorp
Classification: Pathogenic. Last evaluated: 2025-12-08. Review status: criteria provided, single submitter. Criteria: Invitae Variant Classification Sherloc (09022015). Collection method: clinical testing. Allele origin: germline.
Comment: This sequence change creates a premature translational stop signal (p.Arg72*) in the DNAJC12 gene. It is expected to result in an absent or disrupted protein product. Loss-of-function variants in DNAJC12 are known to be pathogenic (PMID: 28132689, 28892570). This variant is present in population databases (rs569240271, gnomAD 0.003%). This premature translational stop signal has been observed in individual(s) with autosomal recessive DNAJC12-related conditions (PMID: 28794131). ClinVar contains an entry for this variant (Variation ID: 694073). For these reasons, this variant has been classified as Pathogenic.

Genomic Medicine Center of Excellence, King Faisal Specialist Hospital and Research Centre
Classification: Likely pathogenic for Hyperphenylalaninemia due to DNAJC12 deficiency. Last evaluated: 2024-12-19. Review status: criteria provided, single submitter. Criteria: ACMG Guidelines, 2015. Collection method: clinical testing. Allele origin: germline.

Revvity Omics, Revvity
Classification: Pathogenic. Last evaluated: 2024-01-18. Review status: criteria provided, single submitter. Criteria: ACMG Guidelines, 2015. Collection method: clinical testing. Allele origin: germline.

Clinical Laboratory Sciences Program (CLSP), King Saud bin Abdulaziz University for Health Sciences (KSAU-HS)
Classification: Pathogenic for Hyperphenylalaninemia due to DNAJC12 deficiency. Last evaluated: 2023-04-01. Review status: no assertion criteria provided. Collection method: clinical testing. Allele origin: germline. Affected: yes. Not counted in ClinVar's aggregate classification.

OMIM
Classification: Pathogenic for HYPERPHENYLALANINEMIA, MILD, NON-BH4-DEFICIENT. Last evaluated: 2019-11-01. Review status: no assertion criteria provided. Collection method: literature only. Allele origin: germline. Not counted in ClinVar's aggregate classification.

Biochemical Molecular Genetic Laboratory, King Abdulaziz Medical City
Classification: Pathogenic for Hyperphenylalaninemia due to DNAJC12 deficiency. Last evaluated: 2019-08-25. Review status: no assertion criteria provided. Collection method: clinical testing. Allele origin: germline. Affected: yes. Not counted in ClinVar's aggregate classification.

Literature cited by the submitters: PubMed 28132689 (cited by Labcorp Genetics (formerly Invitae), Labcorp); PubMed 28892570 (cited by Labcorp Genetics (formerly Invitae), Labcorp); PubMed 28794131 (cited by Labcorp Genetics (formerly Invitae), Labcorp and OMIM).

NM_021800.3(DNAJC12):c.214C>T (p.Arg72Ter)

Gene: DNAJC12 (DnaJ heat shock protein family (Hsp40) member C12; minus strand). Cytogenetic location: 10q21.3.
Variant type: single nucleotide variant.
Coding change: c.214C>T on transcript NM_021800.3 (MANE Select); coding-DNA position 214, C replaced by T.
Protein change: p.Arg72Ter; replaces arginine 72 with a stop codon.
Molecular consequence: nonsense.
Genome position (GRCh38, 1-based): chr10:67,811,607, G>A on the plus strand (C>T on the coding strand, the complement: DNAJC12 is on the minus strand). VCF-style: chr10-67811607-G-A. GRCh37 (hg19) VCF-style: chr10-69571365-G-A.
Other names: c.214C>T, p.Arg72Ter (NM_201262.2); short protein forms R72*.
Identifiers: ClinVar variation 694073 (VCV000694073.24), dbSNP rs569240271, ClinGen allele CA5520878.